The following is an entry in ClinVar:

NM_001286577.2(C2CD3):c.6885C>T (p.Leu2295=)

Gene: C2CD3 (C2 domain containing 3 centriole elongation regulator; minus strand). Cytogenetic location: 11q13.4.
Variant type: single nucleotide variant.
Coding change: c.6885C>T on transcript NM_001286577.2 (MANE Select); coding-DNA position 6885, C replaced by T.
Protein change: p.Leu2295=; no amino-acid change (leucine 2295 retained).
Molecular consequence: synonymous variant.
Genome position (GRCh38, 1-based): chr11:74,028,323, G>A on the plus strand (C>T on the coding strand, the complement: C2CD3 is on the minus strand). VCF-style: chr11-74028323-G-A. GRCh37 (hg19) VCF-style: chr11-73739368-G-A.
Identifiers: ClinVar variation 3033017 (VCV003033017.4), dbSNP rs1280117688, ClinGen allele CA475655537.

ClinVar aggregate classification (germline): Likely benign. Review status: criteria provided, single submitter (1 of 4 stars). 2 submissions from 2 submitters: Likely benign (1). 1 of the submissions does not count toward it. Last evaluated 2024-03-07.

Conditions:
C2CD3-related disorder. Also called: C2CD3-related condition.

Allele frequency attached by ClinVar (database versions not stated): gnomAD 0.00001; gnomAD exomes 0.00001; TOPMed 0.00002.
gnomAD v4.1: 12 of 1,535,976 alleles (0.00078%); highest among the groups gnomAD compares: Admixed American, 0.02%; no homozygotes.

Submissions (2):

Labcorp Genetics (formerly Invitae), Labcorp
Classification: Likely benign. Last evaluated: 2024-03-07. Review status: criteria provided, single submitter. Criteria: Invitae Variant Classification Sherloc (09022015). Collection method: clinical testing. Allele origin: germline.

PreventionGenetics, part of Exact Sciences
Classification: Likely benign for C2CD3-related condition. Last evaluated: 2023-07-07. Review status: no assertion criteria provided. Collection method: clinical testing. Allele origin: germline. Not counted in ClinVar's aggregate classification.
Comment: This variant is classified as likely benign based on ACMG/AMP sequence variant interpretation guidelines (Richards et al. 2015 PMID: 25741868, with internal and published modifications).